The following is an entry in ClinVar:

NM_032861.4(SERAC1):c.412C>T (p.Arg138Trp)

Gene: SERAC1 (serine active site containing 1; minus strand). Cytogenetic location: 6q25.3.
Variant type: single nucleotide variant.
Coding change: c.412C>T on transcript NM_032861.4 (MANE Select); coding-DNA position 412, C replaced by T.
Protein change: p.Arg138Trp; replaces arginine 138 with tryptophan.
Molecular consequence: missense variant. On other transcripts: non-coding transcript variant (1).
Genome position (GRCh38, 1-based): chr6:158,146,857, G>A on the plus strand (C>T on the coding strand, the complement: SERAC1 is on the minus strand). VCF-style: chr6-158146857-G-A. GRCh37 (hg19) VCF-style: chr6-158567889-G-A.
Other names: c.412C>T (NM_032861.3); short protein forms R138W.
Identifiers: ClinVar variation 2196288 (VCV002196288.4), dbSNP rs148861818, ClinGen allele CA4071372.

ClinVar aggregate classification (germline): Uncertain significance. Review status: criteria provided, multiple submitters, no conflicts (2 of 4 stars). 3 submissions from 3 submitters: Uncertain significance (3). Last evaluated 2023-08-22.

Conditions:
Inborn genetic diseases. Identifiers: MedGen C0950123, MeSH D030342.
3-methylglutaconic aciduria with deafness, encephalopathy, and Leigh-like syndrome (MEGDEL). Also called: SERAC1 Deficiency; 3-METHYLGLUTACONIC ACIDURIA, TYPE VI; MEGDEL syndrome. Identifiers: Orphanet 352328, MedGen C4040739, MONDO:0013875, OMIM 614739.

Allele frequency attached by ClinVar (database versions not stated): TOPMed 0.00002; gnomAD 0.00003; gnomAD exomes 0.00003; ESP Exome Variant Server 0.00008; ExAC 0.00009.
gnomAD v4.1: 47 of 1,613,688 alleles (0.0029%); highest among the groups gnomAD compares: East Asian, 0.04%; no homozygotes.

Submissions (3):

Ambry Genetics
Classification: Uncertain significance for Inborn genetic diseases. Last evaluated: 2023-08-22. Review status: criteria provided, single submitter. Criteria: Ambry Variant Classification Scheme 2023. Collection method: clinical testing. Allele origin: germline.

Labcorp Genetics (formerly Invitae), Labcorp
Classification: Uncertain significance for 3-methylglutaconic aciduria with deafness, encephalopathy, and Leigh-like syndrome. Last evaluated: 2022-07-30. Review status: criteria provided, single submitter. Criteria: Invitae Variant Classification Sherloc (09022015). Collection method: clinical testing. Allele origin: germline.
Comment: This sequence change replaces arginine, which is basic and polar, with tryptophan, which is neutral and slightly polar, at codon 138 of the SERAC1 protein (p.Arg138Trp). This variant is present in population databases (rs148861818, gnomAD 0.07%). This variant has not been reported in the literature in individuals affected with SERAC1-related conditions. Algorithms developed to predict the effect of missense changes on protein structure and function are either unavailable or do not agree on the potential impact of this missense change (SIFT: "Deleterious"; PolyPhen-2: "Possibly Damaging"; Align-GVGD: "Class C0"). In summary, the available evidence is currently insufficient to determine the role of this variant in disease. Therefore, it has been classified as a Variant of Uncertain Significance.

Blueprint Genetics
Classification: Uncertain significance. Last evaluated: 2022-02-18. Review status: criteria provided, single submitter. Criteria: ACMG Guidelines, 2015. Collection method: clinical testing. Allele origin: germline.